The following is an entry in ClinVar:

ClinVar aggregate classification (germline): Uncertain significance (1 of 4 stars; one submission).

Conditions:
Duchenne muscular dystrophy (DMD). Also called: MUSCULAR DYSTROPHY, PSEUDOHYPERTROPHIC PROGRESSIVE, DUCHENNE TYPE; Duchenne Muscular Dystrophy (DMD). Identifiers: Orphanet 98896, MedGen C0013264, MONDO:0010679, OMIM 310200.

Submission:

Labcorp Genetics (formerly Invitae), Labcorp
Classification: Uncertain significance for Duchenne muscular dystrophy. Last evaluated: 2024-02-24. Review status: criteria provided, single submitter. Criteria: Invitae Variant Classification Sherloc (09022015). Collection method: clinical testing. Allele origin: germline.
Comment: This sequence change replaces glycine, which is neutral and non-polar, with valine, which is neutral and non-polar, at codon 56 of the DMD protein (p.Gly56Val). This variant is not present in population databases (gnomAD no frequency). This variant has not been reported in the literature in individuals affected with DMD-related conditions. ClinVar contains an entry for this variant (Variation ID: 1522561). Advanced modeling of protein sequence and biophysical properties (such as structural, functional, and spatial information, amino acid conservation, physicochemical variation, residue mobility, and thermodynamic stability) performed at Invitae indicates that this missense variant is not expected to disrupt DMD protein function with a negative predictive value of 95%. In summary, the available evidence is currently insufficient to determine the role of this variant in disease. Therefore, it has been classified as a Variant of Uncertain Significance.

NM_004006.3(DMD):c.167G>T (p.Gly56Val)

Gene: DMD (dystrophin; minus strand). Cytogenetic location: Xp21.1.
Variant type: single nucleotide variant.
Coding change: c.167G>T on transcript NM_004006.3 (MANE Select); coding-DNA position 167, G replaced by T.
Protein change: p.Gly56Val; replaces glycine 56 with valine.
Molecular consequence: missense variant. On other transcripts: 5 prime UTR variant (1).
Genome position (GRCh38, 1-based): chrX:32,849,747, C>A on the plus strand (G>T on the coding strand, the complement: DMD is on the minus strand). VCF-style: chrX-32849747-C-A. GRCh37 (hg19) VCF-style: chrX-32867864-C-A.
Other names: c.143G>T, p.Gly48Val (NM_000109.4); c.155G>T, p.Gly52Val (NM_004009.3); c.-203G>T (NM_004010.3); short protein forms G56V, G52V, G48V.
Identifiers: ClinVar variation 1522561 (VCV001522561.6), dbSNP rs2149014905, ClinGen allele CA412674848.